The following is an entry in ClinVar:

NM_000179.3(MSH6):c.3557-6_3557-4del

Gene: MSH6 (mutS homolog 6; plus strand). Cytogenetic location: 2p16.3.
Variant type: Deletion.
Coding change: c.3557-6_3557-4del on transcript NM_000179.3 (MANE Select); 6 bases into the intron before coding-DNA position 3557 through 4 bases into the intron before coding-DNA position 3557, 3 bases deleted (TTT; older notation c.3557-6_3557-4delTTT).
Molecular consequence: intron variant.
Genome position (GRCh38, 1-based): chr2:47,805,612-47,805,614, TTT deleted; deleting any 3 consecutive bases within chr2:47,805,602-47,805,614 gives the same sequence; the c. name uses the placement nearest the transcript's 3' end. VCF-style (leftmost placement, unchanged base first): chr2-47805601-ATTT-A. GRCh37 (hg19) VCF-style: chr2-48032740-ATTT-A.
Other names: c.3557-6_3557-4del (NM_001406809.1, NM_001406796.1, NM_001406808.1 and 1 more transcripts); c.2651-6_2651-4del (NM_001406811.1, NM_001406814.1, NM_001281493.2 and 6 more transcripts); c.3260-6_3260-4del (NM_001406805.1, NM_001406797.1, NM_001406801.1 and 10 more transcripts); c.3653-6_3653-4del (NM_001406795.1, NM_001406802.1); c.3563-6_3563-4del (NM_001406813.1); c.3032-6_3032-4del (NM_001406807.1, NM_001406799.1, NM_001406806.1); c.3383-6_3383-4del (NM_001406798.1); c.2693-6_2693-4del (NM_001406803.1); and 7 more.
Identifiers: ClinVar variation 3779958 (VCV003779958.3).
Genomic context (GRCh38, chr2:47,805,601, plus strand): 5'-CTATATAACCTAGAAGATGAATTTATGTAATATGATTTGCAAAATGAGTATTCATTTGTG[ATTT>A]TTTTTTTTTTAAGGTGAAAGTACATTTTTTGTTGAATTAAGTGAAACTGCCAGCATACTC-3'

ClinVar aggregate classification (germline): Benign/Likely benign. Review status: criteria provided, multiple submitters, no conflicts (2 of 4 stars). 2 submissions from 2 submitters: Benign (1); Likely benign (1). Last evaluated 2025-01-07.

Conditions:
Lynch syndrome. Identifiers: Orphanet 144, MedGen C4552100, MONDO:0005835. Disease mechanism: loss of function.
Lynch syndrome 5 (LYNCH5). Also called: Colorectal cancer, hereditary nonpolyposis, type 5; Hereditary non-polyposis colorectal cancer, type 5. Identifiers: Orphanet 144, MedGen C1833477, MONDO:0013710, OMIM 614350. Disease mechanism: loss of function.

Submissions (3):

Myriad Genetics, Inc.
Classification: Benign for Lynch syndrome 5. Last evaluated: 2025-01-07. Review status: criteria provided, single submitter. Criteria: Myriad Autosomal Dominant, Autosomal Recessive and X-Linked Classification Criteria (2023). Collection method: clinical testing. Allele origin: unknown.
Comment: This variant is considered benign. This variant is intronic and is not expected to impact mRNA splicing. This variant is strongly associated with less severe personal and family histories of cancer, typical for individuals without pathogenic variants in this gene [PMID: 27363726].

Department of Pathology and Laboratory Medicine, Sinai Health System
Classification: Likely benign for Lynch syndrome. Last evaluated: 2022-11-10. Review status: criteria provided, single submitter. Criteria: ACMG Guidelines, 2015. Collection method: clinical testing. Allele origin: germline. Affected: yes.

Dr. Peter K. Rogan Lab, Western University
No classification provided (evidence only). Condition: Gastric cancer. Review status: no classification provided. Collection method: in vitro. Allele origin: not applicable. Functional consequence: retained intron. Not counted in ClinVar's aggregate classification.

Literature cited by the submitters: PubMed 27363726 (cited by Myriad Genetics, Inc.).